The following is an entry in ClinVar:

NM_017491.5(WDR1):c.474_475delinsAA (p.Pro159Thr)

Gene: WDR1 (WD repeat domain 1; minus strand). Cytogenetic location: 4p16.1.
Variant type: Indel.
Coding change: c.474_475delinsAA on transcript NM_017491.5 (MANE Select); coding-DNA positions 474 to 475, GC replaced by AA.
Protein change: p.Pro159Thr; replaces proline 159 with threonine.
Molecular consequence: missense variant. On other transcripts: intron variant (1).
Genome position (GRCh38, 1-based): chr4:10,097,794-10,097,795, GC replaced by TT on the plus strand (GC replaced by AA on the coding strand, the reverse complement: WDR1 is on the minus strand). VCF-style: chr4-10097794-GC-TT. GRCh37 (hg19) VCF-style: chr4-10099418-GC-TT.
Other names: c.139-9054_139-9053delinsAA (NM_005112.5); short protein forms P159T.
Identifiers: ClinVar variation 2810138 (VCV002810138.3), dbSNP rs2547370173, ClinGen allele CA2739270019.
Genomic context (GRCh38, chr4:10,097,794, plus strand): 5'-ATGGGGGTCCCTCAAAGAATGCCGCGCAGTTATCATCGCTTCCCGTGGCCAGCCGGTATG[GC>TT]CGGCTCTGCTTGATGTCCACGCTGTTGATGACTTTGTTGTGTCCTGTAATCTCGCCCACA-3'
Protein context (NP_059830.1, residues 149-169): INSVDIKQSR[Pro159Thr]YRLATGSDDN

ClinVar aggregate classification (germline): Uncertain significance (1 of 4 stars; one submission).

Submission:

Labcorp Genetics (formerly Invitae), Labcorp
Classification: Uncertain significance. Last evaluated: 2022-11-30. Review status: criteria provided, single submitter. Criteria: Invitae Variant Classification Sherloc (09022015). Collection method: clinical testing. Allele origin: germline.
Comment: Information on the frequency of this variant in the gnomAD database is not available, as this variant may be reported differently in the database. This sequence change replaces proline, which is neutral and non-polar, with threonine, which is neutral and polar, at codon 159 of the WDR1 protein (p.Pro159Thr). In summary, the available evidence is currently insufficient to determine the role of this variant in disease. Therefore, it has been classified as a Variant of Uncertain Significance. Experimental studies and prediction algorithms are not available or were not evaluated, and the functional significance of this variant is currently unknown. This variant has not been reported in the literature in individuals affected with WDR1-related conditions.